The following is an entry in ClinVar:

NM_001035.3(RYR2):c.1517A>C (p.His506Pro)

Gene: RYR2 (ryanodine receptor 2; plus strand). Cytogenetic location: 1q43.
Variant type: single nucleotide variant.
Coding change: c.1517A>C on transcript NM_001035.3 (MANE Select); coding-DNA position 1517, A replaced by C.
Protein change: p.His506Pro; replaces histidine 506 with proline.
Molecular consequence: missense variant.
Genome position (GRCh38, 1-based): chr1:237,456,640, A>C. VCF-style: chr1-237456640-A-C. GRCh37 (hg19) VCF-style: chr1-237619940-A-C.
Other names: short protein forms H506P.
Identifiers: ClinVar variation 1774329 (VCV001774329.8), dbSNP rs1476195040, ClinGen allele CA345381419.

ClinVar aggregate classification (germline): Uncertain significance. Review status: criteria provided, multiple submitters, no conflicts (2 of 4 stars). 5 submissions from 5 submitters: Uncertain significance (5). Last evaluated 2025-04-09.

Conditions:
Catecholaminergic polymorphic ventricular tachycardia (CVPT). Also called: Catecholamine-induced polymorphic ventricular tachycardia. Identifiers: Orphanet 3286, MedGen C5574922, MONDO:0017990.
Cardiovascular phenotype. Identifiers: MedGen CN230736.
Catecholaminergic polymorphic ventricular tachycardia 1. Also called: VENTRICULAR TACHYCARDIA, CATECHOLAMINERGIC POLYMORPHIC, 1, WITH OR WITHOUT ATRIAL DYSFUNCTION AND/OR DILATED CARDIOMYOPATHY; RYR2-Related Catecholaminergic Polymorphic Ventricular Tachycardia; VENTRICULAR TACHYCARDIA, STRESS-INDUCED POLYMORPHIC 1. Identifiers: Orphanet 3286, MedGen C1631597, MONDO:0011484, OMIM 604772.

Allele frequency attached by ClinVar (database versions not stated): gnomAD exomes 0.00002.
gnomAD v4.1: 12 of 1,608,322 alleles (0.00075%); highest among the groups gnomAD compares: Non-Finnish European, 0.00093%; no homozygotes.

Submissions (5):

Molecular Diagnostic Laboratory for Inherited Cardiovascular Disease, Montreal Heart Institute
Classification: Uncertain significance for Cardiovascular phenotype. Last evaluated: 2025-04-09. Review status: criteria provided, single submitter. Criteria: ACMG Guidelines, 2015. Collection method: clinical testing. Allele origin: germline. Affected: yes.

Labcorp Genetics (formerly Invitae), Labcorp
Classification: Uncertain significance for Catecholaminergic polymorphic ventricular tachycardia 1. Last evaluated: 2024-12-31. Review status: criteria provided, single submitter. Criteria: Invitae Variant Classification Sherloc (09022015). Collection method: clinical testing. Allele origin: germline.
Comment: This sequence change replaces histidine, which is basic and polar, with proline, which is neutral and non-polar, at codon 506 of the RYR2 protein (p.His506Pro). This variant is present in population databases (no rsID available, gnomAD 0.0009%). This variant has not been reported in the literature in individuals affected with RYR2-related conditions. ClinVar contains an entry for this variant (Variation ID: 1774329). Invitae Evidence Modeling of protein sequence and biophysical properties (such as structural, functional, and spatial information, amino acid conservation, physicochemical variation, residue mobility, and thermodynamic stability) indicates that this missense variant is not expected to disrupt RYR2 protein function with a negative predictive value of 95%. In summary, the available evidence is currently insufficient to determine the role of this variant in disease. Therefore, it has been classified as a Variant of Uncertain Significance.

All of Us Research Program, National Institutes of Health
Classification: Uncertain significance for Catecholaminergic polymorphic ventricular tachycardia. Last evaluated: 2024-04-16. Review status: criteria provided, single submitter. Criteria: ACMG Guidelines, 2015. Collection method: clinical testing. Allele origin: germline. Inheritance: Autosomal dominant inheritance. Observed: 2 variant alleles, 2 heterozygotes.
Comment: This missense variant replaces histidine with proline at codon 506 of the RYR2 protein. Computational prediction is inconclusive regarding the impact of this variant on protein structure and function (internally defined REVEL score threshold 0.5 < inconclusive < 0.7, PMID: 27666373). To our knowledge, functional studies have not been reported for this variant. This variant has not been reported in individuals affected with RYR2-related disorders in the literature. This variant has been identified in 1/246442 chromosomes in the general population by the Genome Aggregation Database (gnomAD). The available evidence is insufficient to determine the role of this variant in disease conclusively. Therefore, this variant is classified as a Variant of Uncertain Significance.

This study involves interpretation of variants in research participants for the purpose of population health screening. Participant phenotype was not available at the time of variant classification. Additional details can be found in publication PMID: 35346344, PMCID: PMC8962531

Blueprint Genetics
Classification: Uncertain significance. Last evaluated: 2023-10-18. Review status: criteria provided, single submitter. Criteria: ACMG Guidelines, 2015. Collection method: clinical testing. Allele origin: germline.

Ambry Genetics
Classification: Uncertain significance for Cardiovascular phenotype. Last evaluated: 2021-03-25. Review status: criteria provided, single submitter. Criteria: Ambry Variant Classification Scheme 2023. Collection method: clinical testing. Allele origin: germline.
Comment: The p.H506P variant (also known as c.1517A>C), located in coding exon 16 of the RYR2 gene, results from an A to C substitution at nucleotide position 1517. The histidine at codon 506 is replaced by proline, an amino acid with similar properties. This variant was reported in a cohort of individuals with suspected catecholaminergic polymorphic ventricular tachycardia (CPVT); however, clinical details were limited (Kapplinger JD et al. Circ Genom Precis Med, 2018 02;11:e001424). This amino acid position is well conserved in available vertebrate species. In addition, the in silico prediction for this alteration is inconclusive. Since supporting evidence is limited at this time, the clinical significance of this alteration remains unclear.

Literature cited by the submitters: PubMed 29453246 (cited by Ambry Genetics).